The following is an entry in ClinVar:

NM_003849.4(SUCLG1):c.548T>C (p.Ile183Thr)

Gene: SUCLG1 (succinate-CoA ligase GDP/ADP-forming subunit alpha; minus strand). Cytogenetic location: 2p11.2.
Variant type: single nucleotide variant.
Coding change: c.548T>C on transcript NM_003849.4 (MANE Select); coding-DNA position 548, T replaced by C.
Protein change: p.Ile183Thr; replaces isoleucine 183 with threonine.
Molecular consequence: missense variant.
Genome position (GRCh38, 1-based): chr2:84,441,088, A>G on the plus strand (T>C on the coding strand, the complement: SUCLG1 is on the minus strand). VCF-style: chr2-84441088-A-G. GRCh37 (hg19) VCF-style: chr2-84668212-A-G.
Other names: c.548T>C (NM_003849.3); short protein forms I183T.
Identifiers: ClinVar variation 801727 (VCV000801727.12), dbSNP rs140626260, ClinGen allele CA1736267.

ClinVar aggregate classification (germline): Conflicting classifications of pathogenicity. Review status: criteria provided, conflicting classifications (1 of 4 stars). 6 submissions from 6 submitters: Pathogenic (2); Likely pathogenic (2); Uncertain significance (2). Last evaluated 2025-11-23.

Conditions:
Mitochondrial DNA depletion syndrome 9 (MTDPS9). Also called: SUCLG1-Related Mitochondrial DNA Depletion Syndrome, Encephalomyopathic Form with Methylmalonic Aciduria. Identifiers: Orphanet 17, MedGen C3151476, MONDO:0009504, OMIM 245400.

Allele frequency attached by ClinVar (database versions not stated): TOPMed 0.00004; ESP Exome Variant Server 0.00008; gnomAD exomes 0.00001 and 0.00005; gnomAD 0.00003 and 0.00002; 1000 Genomes Project 30x 0.00047; 1000 Genomes Project 0.00020; ExAC 0.00004.
gnomAD v4.1: 19 of 1,614,172 alleles (0.0012%); highest among the groups gnomAD compares: Admixed American, 0.023%; no homozygotes.

Submissions (6):

Labcorp Genetics (formerly Invitae), Labcorp
Classification: Pathogenic for Mitochondrial DNA depletion syndrome 9. Last evaluated: 2025-11-23. Review status: criteria provided, single submitter. Criteria: Invitae Variant Classification Sherloc (09022015). Collection method: clinical testing. Allele origin: germline.
Comment: This sequence change replaces isoleucine, which is neutral and non-polar, with threonine, which is neutral and polar, at codon 183 of the SUCLG1 protein (p.Ile183Thr). This variant is present in population databases (rs140626260, gnomAD 0.03%). This missense change has been observed in individual(s) with clinical features of SUCLG1-related conditions (PMID: 34988976, 39519275; internal data). In at least one individual the data is consistent with being in trans (on the opposite chromosome) from a pathogenic variant. ClinVar contains an entry for this variant (Variation ID: 801727). Invitae Evidence Modeling of protein sequence and biophysical properties (such as structural, functional, and spatial information, amino acid conservation, physicochemical variation, residue mobility, and thermodynamic stability) has been performed for this missense variant. However, the output from this modeling did not meet the statistical confidence thresholds required to predict the impact of this variant on SUCLG1 protein function. For these reasons, this variant has been classified as Pathogenic.

Variantyx, Inc.
Classification: Likely pathogenic for Mitochondrial DNA depletion syndrome 9. Last evaluated: 2025-05-12. Review status: criteria provided, single submitter. Criteria: Variantyx Assertion Criteria 2022. Collection method: clinical testing. Allele origin: germline. Inheritance: Autosomal recessive inheritance.
Comment: This is a nonsynonymous variant in the SUCLG1 gene (OMIM: 611224). Pathogenic variants in this gene have been associated with autosomal recessive mitochondrial DNA depletion syndrome 9. This variant has been identified in the compound heterozygous state in several unrelated affected individuals (PMID: 39519275, 35322241, Labcorp) (PM3_Strong), the maximum allele frequency in non-founder control populations of this variant is 0.0233% (PM2). Multiple computational algorithms predict a deleterious effect for this variant (REVEL score: 0.925) (PP3). Based on the current evidence, this variant is classified as likely pathogenic for autosomal recessive mitochondrial DNA depletion syndrome 9.

GeneDx
Classification: Uncertain significance. Last evaluated: 2025-01-14. Review status: criteria provided, single submitter. Criteria: GeneDx Variant Classification Process June 2021. Collection method: clinical testing. Allele origin: germline. Affected: yes.
Comment: In silico analysis supports that this missense variant has a deleterious effect on protein structure/function; This variant is associated with the following publications: (PMID: 34988976, 37036266, 39519275)

3billion
Classification: Likely pathogenic for Mitochondrial DNA depletion syndrome 9. Last evaluated: 2024-08-06. Review status: criteria provided, single submitter. Criteria: ACMG Guidelines, 2015. Collection method: clinical testing. Allele origin: germline. Affected: yes.
Comment: The variant is observed at an extremely low frequency in the gnomAD v4.0.0 dataset (total allele frequency: 0.001%). Predicted Consequence/Location: Missense variant In silico tool predictions suggest damaging effect of the variant on gene or gene product [REVEL: 0.93 (>=0.6, sensitivity 0.68 and specificity 0.92); 3Cnet: 0.65 (>=0.6, sensitivity 0.72 and precision 0.9)]. The same nucleotide change resulting in the same amino acid change has been previously reported as pathogenic/likely pathogenic with strong evidence (ClinVar ID: VCV000801727 /PMID: 34988976). Therefore, this variant is classified as Likely pathogenic according to the recommendation of ACMG/AMP guideline.

Department of Pathology and Laboratory Medicine, Sinai Health System
Classification: Uncertain significance for Mitochondrial DNA depletion syndrome 9. Last evaluated: 2023-04-24. Review status: criteria provided, single submitter. Criteria: ACMG Guidelines, 2015. Collection method: research. Allele origin: germline.

Mendelics
Classification: Pathogenic for Mitochondrial DNA depletion syndrome 9. Last evaluated: 2019-05-28. Review status: criteria provided, single submitter. Criteria: Mendelics Assertion Criteria 2017. Collection method: clinical testing. Allele origin: unknown.

Literature cited by the submitters: PubMed 34988976 (cited by Labcorp Genetics (formerly Invitae), Labcorp and 3billion); PubMed 39519275 (cited by Labcorp Genetics (formerly Invitae), Labcorp and Variantyx, Inc.); PubMed 35322241 (cited by Variantyx, Inc.).